The following is an entry in ClinVar:

ClinVar aggregate classification (germline): Uncertain significance (1 of 4 stars; one submission).

Submission:

CeGaT Center for Human Genetics Tuebingen
Classification: Uncertain significance. Last evaluated: 2023-06-01. Review status: criteria provided, single submitter. Criteria: CeGaT Center For Human Genetics Tuebingen Variant Classification Criteria Version 2. Collection method: clinical testing. Allele origin: germline. Affected: yes. Observed: 1 variant allele.
Comment: KATNB1: PM2

NM_005886.3(KATNB1):c.1296+3A>G

Gene: KATNB1 (katanin regulatory subunit B1; plus strand). Cytogenetic location: 16q21.
Variant type: single nucleotide variant.
Coding change: c.1296+3A>G on transcript NM_005886.3 (MANE Select); 3 bases into the intron after coding-DNA position 1296, A replaced by G.
Molecular consequence: intron variant.
Genome position (GRCh38, 1-based): chr16:57,755,000, A>G. VCF-style: chr16-57755000-A-G. GRCh37 (hg19) VCF-style: chr16-57788912-A-G.
Identifiers: ClinVar variation 2570943 (VCV002570943.27), dbSNP rs2543425115, ClinGen allele CA2580613878.